The following is an entry in ClinVar:

NM_004380.3(CREBBP):c.4492C>T (p.Arg1498Ter)

Gene: CREBBP (CREB binding lysine acetyltransferase; minus strand). Cytogenetic location: 16p13.3.
Variant type: single nucleotide variant.
Coding change: c.4492C>T on transcript NM_004380.3 (MANE Select); coding-DNA position 4492, C replaced by T.
Protein change: p.Arg1498Ter; replaces arginine 1498 with a stop codon.
Molecular consequence: nonsense.
Genome position (GRCh38, 1-based): chr16:3,736,718, G>A on the plus strand (C>T on the coding strand, the complement: CREBBP is on the minus strand). VCF-style: chr16-3736718-G-A. GRCh37 (hg19) VCF-style: chr16-3786719-G-A.
Other names: c.4378C>T, p.Arg1460Ter (NM_001079846.1); short protein forms R1498*, R1460*.
Identifiers: ClinVar variation 851163 (VCV000851163.11), dbSNP rs2052070776, ClinGen allele CA394563638.
Genomic context (GRCh38, chr16:3,736,718, plus strand): 5'-CATGGATGATCCGCTCTGCAAACGCCTTGTCCAGCATCTTTTTGTACCACTCCTGCAGTC[G>A]TTTTGGCTTGGGTATTTTTTGATCAGGTGGGTGGCAATGGAAGATGTAATCATCTCCTTC-3'

ClinVar aggregate classification (germline): Pathogenic. Review status: criteria provided, multiple submitters, no conflicts (2 of 4 stars). 3 submissions from 3 submitters: Pathogenic (3). Last evaluated 2022-12-20.

Conditions:
Rubinstein-Taybi syndrome (RSTS). Identifiers: Orphanet 783, MedGen C0035934, MONDO:0019188.
Rubinstein-Taybi syndrome due to CREBBP mutations (RSTS1). Also called: CREBBP-Related Rubinstein-Taybi Syndrome; RUBINSTEIN-TAYBI SYNDROME 1, INCOMPLETE; Rubinstein-Taybi syndrome 1; RUBINSTEIN SYNDROME; BROAD THUMBS AND GREAT TOES, CHARACTERISTIC FACIES, AND IMPAIRED INTELLECTUAL DEVELOPMENT; BROAD THUMB-HALLUX SYNDROME. Identifiers: Orphanet 353277, Orphanet 783, MedGen C4551859, MONDO:0008393, OMIM 180849.
CREBBP-related disorder. Also called: CREBBP-related disorders; CREBBP-related condition.

Submissions (3):

Labcorp Genetics (formerly Invitae), Labcorp
Classification: Pathogenic for Rubinstein-Taybi syndrome. Last evaluated: 2022-12-20. Review status: criteria provided, single submitter. Criteria: Invitae Variant Classification Sherloc (09022015). Collection method: clinical testing. Allele origin: germline.
Comment: For these reasons, this variant has been classified as Pathogenic. This sequence change creates a premature translational stop signal (p.Arg1498*) in the CREBBP gene. It is expected to result in an absent or disrupted protein product. Loss-of-function variants in CREBBP are known to be pathogenic (PMID: 17052327, 18792986). This variant is not present in population databases (gnomAD no frequency). This premature translational stop signal has been observed in individuals with Rubinstein-Taybi syndrome (PMID: 12070251, 16359492, 18792986, 32386048). ClinVar contains an entry for this variant (Variation ID: 851163).

Department of Medical Genetics, Sanjay Gandhi Post Graduate Institute of Medical Sciences
Classification: Pathogenic for Rubinstein-Taybi syndrome due to CREBBP mutations. Last evaluated: 2022-07-14. Review status: criteria provided, single submitter. Criteria: ACMG Guidelines, 2015. Collection method: research. Allele origin: de novo. Inheritance: Autosomal dominant inheritance. Affected: yes. Observed: 1 heterozygote.
Comment: It is expected to result in an absent or disrupted protein product. Loss-of-function variants in CREBBP are known to be pathogenic (PMID: 17052327, 18792986). Based on the above evidences this CREBBP variant has been classified as pathogenic according to the ACMG/ AMP guidelines (PVS1, PS2, PM2, PP3, PP4, PP5)

Blueprint Genetics
Classification: Pathogenic for CREBBP-related disorders. Last evaluated: 2020-03-13. Review status: criteria provided, single submitter. Criteria: ACMG Guidelines, 2015. Collection method: clinical testing. Allele origin: de novo. Affected: yes. Observed: 2 variant alleles.

Literature cited by the submitters: PubMed 17052327 (cited by Labcorp Genetics (formerly Invitae), Labcorp and Department of Medical Genetics, Sanjay Gandhi Post Graduate Institute of Medical Sciences); PubMed 18792986 (cited by Labcorp Genetics (formerly Invitae), Labcorp); PubMed 12070251 (cited by Labcorp Genetics (formerly Invitae), Labcorp); PubMed 16359492 (cited by Labcorp Genetics (formerly Invitae), Labcorp); PubMed 32386048 (cited by Labcorp Genetics (formerly Invitae), Labcorp).